The following is an entry in ClinVar:

NC_012920.1(MT-ND5):m.13154T>C

Gene: MT-ND5 (mitochondrially encoded NADH dehydrogenase 5; plus strand).
Variant type: single nucleotide variant.
Genome position: chrM-13154-T-C.
Identifiers: ClinVar variation 693529 (VCV000693529.1), dbSNP rs1603224067, ClinGen allele CA414816721.
Genomic context (GRCh38, chrMT:13,154, plus strand): 5'-TTGTAGCAGGAATCTTCTTACTCATCCGCTTCCACCCCCTAGCAGAAAATAGCCCACTAA[T>C]CCAAACTCTAACACTATGCTTAGGCGCTATCACCACTCTGTTCGCAGCAGTCTGCGCCCT-3'

ClinVar aggregate classification (germline): Uncertain significance (1 of 4 stars; one submission).

Conditions:
Leigh syndrome (NULS). Also called: Leigh's necrotizing encephalopathy; Leigh's disease; Leigh Syndrome (mtDNA deletion); Leigh Disease; Subacute necrotizing encephalopathy; Necrotizing encephalopathy infantile subacute of Leigh. Identifiers: Orphanet 506, MedGen C2931891, MONDO:0009723, OMIM 256000.

Submission:

Wong Mito Lab, Molecular and Human Genetics, Baylor College of Medicine
Classification: Uncertain significance for Leigh syndrome. Last evaluated: 2019-10-17. Review status: criteria provided, single submitter. Criteria: Modified ACMG Guidelines (Unpublished). Collection method: clinical testing. Allele origin: germline.
Comment: The NC_012920.1:m.13154T>C (YP_003024036.1:p.Ile273Thr) variant in MTND5 gene is interpretated to be a Uncertain Significance variant based on the modified ACMG guidelines (unpublished). This variant meets the following evidence codes: BP4